The following is an entry in ClinVar:

NM_002184.4(IL6ST):c.769T>C (p.Tyr257His)

Gene: IL6ST (interleukin 6 cytokine family signal transducer; minus strand). Cytogenetic location: 5q11.2.
Variant type: single nucleotide variant.
Coding change: c.769T>C on transcript NM_002184.4 (MANE Select); coding-DNA position 769, T replaced by C.
Protein change: p.Tyr257His; replaces tyrosine 257 with histidine.
Molecular consequence: missense variant. On other transcripts: 5 prime UTR variant (3), non-coding transcript variant (2).
Genome position (GRCh38, 1-based): chr5:55,963,396, A>G on the plus strand (T>C on the coding strand, the complement: IL6ST is on the minus strand). VCF-style: chr5-55963396-A-G. GRCh37 (hg19) VCF-style: chr5-55259224-A-G.
Other names: c.769T>C, p.Tyr257His (NM_001190981.2, NM_001364275.2, NM_175767.3); c.559T>C, p.Tyr187His (NM_001364276.2); c.-145T>C (NM_001364277.2, NM_001364279.2); c.-135T>C (NM_001364278.2); short protein forms Y187H, Y257H.
Identifiers: ClinVar variation 3235008 (VCV003235008.1), dbSNP rs763532110, ClinGen allele CA3271620.
Genomic context (GRCh38, chr5:55,963,396, plus strand): 5'-GTAACTTTCAATTTACCTGGCTCCAAGTTGAGGCATCTTTGGTCCTATATTGAATGTTAT[A>G]TTTTAGTATTATAACACTCTTAATACTTGGGTTGGTCCATGTCAATTTTAAGATACTAGA-3'
Protein context (NP_002175.2, residues 247-267): PSIKSVIILK[Tyr257His]NIQYRTKDAS

ClinVar aggregate classification (germline): Uncertain significance (1 of 4 stars; one submission).

Conditions:
Immunodeficiency 94 with autoinflammation and dysmorphic facies (IMD94). Identifiers: MedGen C5676918, MONDO:0030681, OMIM 619750.

Allele frequency attached by ClinVar (database versions not stated): gnomAD exomes below 0.00001; ExAC 0.00001; gnomAD 0.00001.
gnomAD v4.1: 5 of 1,604,560 alleles (0.00031%); highest among the groups gnomAD compares: South Asian, 0.0055%; 1 homozygote.

Submission:

Neuberg Centre For Genomic Medicine, NCGM
Classification: Uncertain significance for Immunodeficiency 94 with autoinflammation and dysmorphic facies. Review status: criteria provided, single submitter. Criteria: ACMG Guidelines, 2015. Collection method: clinical testing. Allele origin: germline. Inheritance: Autosomal dominant inheritance. Affected: yes.
Comment: The missense c.769T>C p.Tyr257His variant in the IL6ST gene has not been reported previously as a pathogenic variant nor as a benign variant, to our knowledge. This variant is reported with the allele frequency 0.0004% in the gnomAD Exomes and novel in 1000 Genomes. The amino acid Tyrosine at position 257 is changed to a Histidine changing protein sequence and it might alter its composition and physico-chemical properties. The variant is predicted as damaging by SIFT. The amino acid change p.Tyr257His in IL6ST is predicted as conserved by GERP++ and PhyloP across 100 vertebrates. For these reasons, this variant has been classified as Uncertain Significance.